The following is an entry in ClinVar:

NM_133372.3(FNIP1):c.628T>C (p.Ser210Pro)

Gene: FNIP1 (folliculin interacting protein 1; minus strand). Cytogenetic location: 5q31.1.
Variant type: single nucleotide variant.
Coding change: c.628T>C on transcript NM_133372.3 (MANE Select); coding-DNA position 628, T replaced by C.
Protein change: p.Ser210Pro; replaces serine 210 with proline.
Molecular consequence: missense variant. On other transcripts: intron variant (1).
Genome position (GRCh38, 1-based): chr5:131,710,656, A>G on the plus strand (T>C on the coding strand, the complement: FNIP1 is on the minus strand). VCF-style: chr5-131710656-A-G. GRCh37 (hg19) VCF-style: chr5-131046349-A-G.
Other names: c.628T>C, p.Ser210Pro (NM_001346113.2); c.493T>C, p.Ser165Pro (NM_001346114.2); c.623-1384T>C (NM_001008738.3); short protein forms S165P, S210P.
Identifiers: ClinVar variation 1898625 (VCV001898625.5), dbSNP rs750349398, ClinGen allele CA3400862.

ClinVar aggregate classification (germline): Uncertain significance (1 of 4 stars; one submission).

Allele frequency attached by ClinVar (database versions not stated): ExAC 0.00001; gnomAD exomes 0.00001.
gnomAD v4.1: 13 of 1,613,738 alleles (0.00081%); highest among the groups gnomAD compares: Non-Finnish European, 0.0011%; no homozygotes.

Submission:

Labcorp Genetics (formerly Invitae), Labcorp
Classification: Uncertain significance. Last evaluated: 2022-03-11. Review status: criteria provided, single submitter. Criteria: Invitae Variant Classification Sherloc (09022015). Collection method: clinical testing. Allele origin: germline.
Comment: In summary, the available evidence is currently insufficient to determine the role of this variant in disease. Therefore, it has been classified as a Variant of Uncertain Significance. Algorithms developed to predict the effect of missense changes on protein structure and function are either unavailable or do not agree on the potential impact of this missense change (SIFT: "Tolerated"; PolyPhen-2: "Probably Damaging"; Align-GVGD: "Class C0"). This variant has not been reported in the literature in individuals affected with FNIP1-related conditions. The frequency data for this variant in the population databases is considered unreliable, as metrics indicate poor data quality at this position in the gnomAD database. This sequence change replaces serine, which is neutral and polar, with proline, which is neutral and non-polar, at codon 210 of the FNIP1 protein (p.Ser210Pro).